The following is an entry in ClinVar:

ClinVar aggregate classification (germline): Uncertain significance (1 of 4 stars; one submission).

Conditions:
Episodic ataxia type 2 (EA2). Also called: ATAXIA, EPISODIC, WITH NYSTAGMUS; ATAXIA, FAMILIAL PAROXYSMAL; ACETAZOLAMIDE-RESPONSIVE HEREDITARY PAROXYSMAL CEREBELLAR ATAXIA; CEREBELLAR ATAXIA, PAROXYSMAL, ACETAZOLAMIDE-RESPONSIVE; CEREBELLOPATHY, HEREDITARY PAROXYSMAL; EPISODIC ATAXIA, NYSTAGMUS-ASSOCIATED. Identifiers: Orphanet 97, MedGen C1720416, MONDO:0007163, OMIM 108500.
Developmental and epileptic encephalopathy, 42 (DEE42A). Also called: Epileptic encephalopathy, early infantile, 42; DEVELOPMENTAL AND EPILEPTIC ENCEPHALOPATHY 42A; EPILEPTIC ENCEPHALOPATHY, EARLY INFANTILE, 42A. Identifiers: MedGen C4310716, MONDO:0014917, OMIM 617106.

Submission:

Labcorp Genetics (formerly Invitae), Labcorp
Classification: Uncertain significance for Developmental and epileptic encephalopathy, 42; Episodic ataxia type 2. Last evaluated: 2024-02-29. Review status: criteria provided, single submitter. Criteria: Invitae Variant Classification Sherloc (09022015). Collection method: clinical testing. Allele origin: germline.
Comment: This sequence change replaces alanine, which is neutral and non-polar, with threonine, which is neutral and polar, at codon 222 of the CACNA1A protein (p.Ala222Thr). This variant is not present in population databases (gnomAD no frequency). This variant has not been reported in the literature in individuals affected with CACNA1A-related conditions. Advanced modeling of protein sequence and biophysical properties (such as structural, functional, and spatial information, amino acid conservation, physicochemical variation, residue mobility, and thermodynamic stability) performed at Invitae indicates that this missense variant is expected to disrupt CACNA1A protein function with a positive predictive value of 95%. In summary, the available evidence is currently insufficient to determine the role of this variant in disease. Therefore, it has been classified as a Variant of Uncertain Significance.

NM_001127222.2(CACNA1A):c.664G>A (p.Ala222Thr)

Gene: CACNA1A (calcium voltage-gated channel subunit alpha1 A; minus strand). Cytogenetic location: 19p13.13.
Variant type: single nucleotide variant.
Coding change: c.664G>A on transcript NM_001127222.2 (MANE Select); coding-DNA position 664, G replaced by A.
Protein change: p.Ala222Thr; replaces alanine 222 with threonine.
Molecular consequence: missense variant.
Genome position (GRCh38, 1-based): chr19:13,365,437, C>T on the plus strand (G>A on the coding strand, the complement: CACNA1A is on the minus strand). VCF-style: chr19-13365437-C-T. GRCh37 (hg19) VCF-style: chr19-13476251-C-T.
Other names: c.664G>A, p.Ala222Thr (NM_000068.4, NM_001127221.2, NM_001174080.2 and 1 more transcripts); short protein forms A222T.
Identifiers: ClinVar variation 3754170 (VCV003754170.2).